The following is an entry in ClinVar:

NM_003126.4(SPTA1):c.4387G>C (p.Asp1463His)

Gene: SPTA1 (spectrin alpha, erythrocytic 1; minus strand). Cytogenetic location: 1q23.1.
Variant type: single nucleotide variant.
Coding change: c.4387G>C on transcript NM_003126.4 (MANE Select); coding-DNA position 4387, G replaced by C.
Protein change: p.Asp1463His; replaces aspartic acid 1463 with histidine.
Molecular consequence: missense variant.
Genome position (GRCh38, 1-based): chr1:158,643,377, C>G on the plus strand (G>C on the coding strand, the complement: SPTA1 is on the minus strand). VCF-style: chr1-158643377-C-G. GRCh37 (hg19) VCF-style: chr1-158613167-C-G.
Other names: short protein forms D1463H.
Identifiers: ClinVar variation 4685797 (VCV004685797.1).

ClinVar aggregate classification (germline): Uncertain significance (1 of 4 stars; one submission).

Submission:

ARUP Laboratories, Molecular Genetics and Genomics, ARUP Laboratories
Classification: Uncertain significance. Last evaluated: 2025-05-05. Review status: criteria provided, single submitter. Criteria: ARUP Molecular Germline Variant Investigation Process 2024. Collection method: clinical testing. Allele origin: germline.
Comment: The SPTA1 c.4387G>C; p.Asp1463His variant (rs368557666), to our knowledge, is not reported in the medical literature or gene specific databases. This variant is only observed on one allele in the Genome Aggregation Database (v2.1.1), indicating it is not a common polymorphism. Computational analyses are uncertain whether this variant is neutral or deleterious (REVEL: 0.177). Due to limited information, the clinical significance of this variant is uncertain at this time.